The following is an entry in ClinVar:

NM_000070.3(CAPN3):c.747C>G (p.Tyr249Ter)

Gene: CAPN3 (calpain 3; plus strand). Cytogenetic location: 15q15.1.
Variant type: single nucleotide variant.
Coding change: c.747C>G on transcript NM_000070.3 (MANE Select); coding-DNA position 747, C replaced by G.
Protein change: p.Tyr249Ter; replaces tyrosine 249 with a stop codon.
Molecular consequence: nonsense.
Genome position (GRCh38, 1-based): chr15:42,389,042, C>G. VCF-style: chr15-42389042-C-G. GRCh37 (hg19) VCF-style: chr15-42681240-C-G.
Other names: c.747C>G, p.Tyr249Ter (NM_024344.2, NM_173087.2); short protein forms Y249*.
Identifiers: ClinVar variation 983852 (VCV000983852.6), dbSNP rs757448865, ClinGen allele CA391998295.

ClinVar aggregate classification (germline): Pathogenic/Likely pathogenic. Review status: criteria provided, multiple submitters, no conflicts (2 of 4 stars). 4 submissions from 4 submitters: Pathogenic (1); Likely pathogenic (3). Last evaluated 2024-02-01.

Conditions:
Autosomal recessive limb-girdle muscular dystrophy type 2A (LGMDR1). Also called: Limb-girdle muscular dystrophy, type 2A; Calpainopathy; LEYDEN-MOEBIUS MUSCULAR DYSTROPHY; MUSCULAR DYSTROPHY, PELVOFEMORAL; Muscular dystrophy, limb-girdle, type 2A, Amish. Identifiers: Orphanet 267, MedGen C1869123, MONDO:0009675, OMIM 253600. Disease mechanism: loss of function.
Muscular dystrophy, limb-girdle, autosomal dominant 4. Also called: MUSCULAR DYSTROPHY, LIMB-GIRDLE, TYPE 1I; Calpain-3-related limb-girdle muscular dystrophy D4. Identifiers: Orphanet 565909, MedGen C4748295, MONDO:0029133, OMIM 618129.

Allele frequency attached by ClinVar (database versions not stated): TOPMed 0.00001.

Submissions (4):

Laboratory of Medical Genetics, National & Kapodistrian University of Athens
Classification: Pathogenic for Autosomal recessive limb-girdle muscular dystrophy type 2A. Last evaluated: 2024-02-01. Review status: criteria provided, single submitter. Criteria: ACMG Guidelines, 2015. Collection method: curation. Allele origin: germline. Affected: no.

Baylor Genetics
Classification: Likely pathogenic for Muscular dystrophy, limb-girdle, autosomal dominant 4. Last evaluated: 2021-11-11. Review status: criteria provided, single submitter. Criteria: ACMG Guidelines, 2015. Collection method: clinical testing. Allele origin: unknown.

Fulgent Genetics
Classification: Likely pathogenic for Autosomal recessive limb-girdle muscular dystrophy type 2A; Muscular dystrophy, limb-girdle, autosomal dominant 4. Last evaluated: 2021-10-16. Review status: criteria provided, single submitter. Criteria: ACMG Guidelines, 2015. Collection method: clinical testing. Allele origin: unknown.

Myriad Genetics, Inc.
Classification: Likely pathogenic for Autosomal recessive limb-girdle muscular dystrophy type 2A. Last evaluated: 2020-04-14. Review status: criteria provided, single submitter. Criteria: Myriad Women's Health Autosomal Recessive and X-Linked Classification Criteria (2019). Collection method: clinical testing. Allele origin: unknown.
Comment: NM_000070.2(CAPN3):c.747C>G(Y249*) is expected to be pathogenic in the context of calpainopathy. This variant is predicted to lead to an abnormal or absent protein product due to the creation of a premature termination codon in CAPN3, a gene where loss-of-function variants are known to be pathogenic. Please note: this variant was assessed in the context of healthy population screening.